The following is an entry in ClinVar:

NM_000057.4(BLM):c.4217A>G (p.Asn1406Ser)

Gene: BLM (BLM RecQ like helicase; plus strand). Cytogenetic location: 15q26.1.
Variant type: single nucleotide variant.
Coding change: c.4217A>G on transcript NM_000057.4 (MANE Select); coding-DNA position 4217, A replaced by G.
Protein change: p.Asn1406Ser; replaces asparagine 1406 with serine.
Molecular consequence: missense variant.
Genome position (GRCh38, 1-based): chr15:90,815,242, A>G. VCF-style: chr15-90815242-A-G. GRCh37 (hg19) VCF-style: chr15-91358472-A-G.
Other names: c.4217A>G, p.Asn1406Ser (NM_001287246.2); c.3824A>G, p.Asn1275Ser (NM_001287247.2); c.3092A>G, p.Asn1031Ser (NM_001287248.2); short protein forms N1406S, N1031S, N1275S.
Identifiers: ClinVar variation 4746347 (VCV004746347.1).

ClinVar aggregate classification (germline): Uncertain significance (1 of 4 stars; one submission).

Conditions:
Bloom syndrome (BLM). Also called: Bloom-Torre-Machacek syndrome. Identifiers: Orphanet 125, MedGen C0005859, MONDO:0008876, OMIM 210900.

Submission:

Labcorp Genetics (formerly Invitae), Labcorp
Classification: Uncertain significance for Bloom syndrome. Last evaluated: 2025-08-11. Review status: criteria provided, single submitter. Criteria: Invitae Variant Classification Sherloc (09022015). Collection method: clinical testing. Allele origin: germline.
Comment: This sequence change replaces asparagine, which is neutral and polar, with serine, which is neutral and polar, at codon 1406 of the BLM protein (p.Asn1406Ser). This variant is not present in population databases (gnomAD no frequency). This variant has not been reported in the literature in individuals affected with BLM-related conditions. An algorithm developed to predict the effect of missense changes on protein structure and function (PolyPhen-2) suggests that this variant is likely to be tolerated. RNA analysis performed to evaluate the impact of this missense change on mRNA splicing indicates it does not significantly alter splicing (internal data). In summary, the available evidence is currently insufficient to determine the role of this variant in disease. Therefore, it has been classified as a Variant of Uncertain Significance.